The following is an entry in ClinVar:

ClinVar aggregate classification (germline): Uncertain significance. Review status: criteria provided, multiple submitters, no conflicts (2 of 4 stars). 3 submissions from 3 submitters: Uncertain significance (2). 1 of the submissions does not count toward it. Last evaluated 2026-03-29.

Conditions:
Cardiovascular phenotype. Identifiers: MedGen CN230736.
Autosomal recessive limb-girdle muscular dystrophy type 2I. Also called: MUSCULAR DYSTROPHY-DYSTROGLYCANOPATHY (LIMB-GIRDLE), TYPE C, 5; MUSCULAR DYSTROPHY, LIMB-GIRDLE, TYPE 2I; MUSCULAR DYSTROPHY-DYSTROGLYCANOPATHY, LIMB-GIRDLE, FRKP-RELATED. Identifiers: Orphanet 34515, MedGen C1846672, MONDO:0011787, OMIM 607155.
Walker-Warburg congenital muscular dystrophy. Also called: Muscular dystrophy-dystroglycanopathy, type A; Walker-Warburg syndrome. Identifiers: Orphanet 899, MedGen C0265221, MONDO:0000171.

Allele frequency attached by ClinVar (database versions not stated): gnomAD exomes 0.00003; gnomAD 0.00001.

Submissions (3):

Ambry Genetics
Classification: Uncertain significance for Cardiovascular phenotype. Last evaluated: 2026-03-29. Review status: criteria provided, single submitter. Criteria: Ambry Variant Classification Scheme 2023. Collection method: clinical testing. Allele origin: germline.
Comment: The p.A266V variant (also known as c.797C>T), located in coding exon 1 of the FKRP gene, results from a C to T substitution at nucleotide position 797. The alanine at codon 266 is replaced by valine, an amino acid with similar properties. This amino acid position is conserved. In addition, this alteration is predicted to be tolerated by in silico analysis. Based on the available evidence, the clinical significance of this variant remains unclear.

Labcorp Genetics (formerly Invitae), Labcorp
Classification: Uncertain significance for Walker-Warburg congenital muscular dystrophy. Last evaluated: 2022-06-29. Review status: criteria provided, single submitter. Criteria: Invitae Variant Classification Sherloc (09022015). Collection method: clinical testing. Allele origin: germline.
Comment: The frequency data for this variant in the population databases is considered unreliable, as metrics indicate poor data quality at this position in the gnomAD database. This sequence change replaces alanine, which is neutral and non-polar, with valine, which is neutral and non-polar, at codon 266 of the FKRP protein (p.Ala266Val). This variant has not been reported in the literature in individuals affected with FKRP-related conditions. In summary, the available evidence is currently insufficient to determine the role of this variant in disease. Therefore, it has been classified as a Variant of Uncertain Significance. Algorithms developed to predict the effect of missense changes on protein structure and function (SIFT, PolyPhen-2, Align-GVGD) all suggest that this variant is likely to be tolerated. ClinVar contains an entry for this variant (Variation ID: 1042094).

Natera, Inc.
Classification: Uncertain significance for Limb-girdle muscular dystrophy type 2I. Last evaluated: 2020-07-23. Review status: no assertion criteria provided. Collection method: clinical testing. Allele origin: germline. Not counted in ClinVar's aggregate classification.

NM_024301.5(FKRP):c.797C>T (p.Ala266Val)

Gene: FKRP (fukutin related protein; plus strand). Cytogenetic location: 19q13.32.
Variant type: single nucleotide variant.
Coding change: c.797C>T on transcript NM_024301.5 (MANE Select); coding-DNA position 797, C replaced by T.
Protein change: p.Ala266Val; replaces alanine 266 with valine.
Molecular consequence: missense variant.
Genome position (GRCh38, 1-based): chr19:46,756,247, C>T. VCF-style: chr19-46756247-C-T. GRCh37 (hg19) VCF-style: chr19-47259504-C-T.
Other names: c.797C>T (NM_024301.4); c.797C>T, p.Ala266Val (NM_001039885.3); short protein forms A266V.
Identifiers: ClinVar variation 1042094 (VCV001042094.9), dbSNP rs1276654268, ClinGen allele CA406496036.